The following is an entry in ClinVar:

NM_000057.4(BLM):c.3958C>A (p.Pro1320Thr)

Gene: BLM (BLM RecQ like helicase; plus strand). Cytogenetic location: 15q26.1.
Variant type: single nucleotide variant.
Coding change: c.3958C>A on transcript NM_000057.4 (MANE Select); coding-DNA position 3958, C replaced by A.
Protein change: p.Pro1320Thr; replaces proline 1320 with threonine.
Molecular consequence: missense variant.
Genome position (GRCh38, 1-based): chr15:90,811,288, C>A. VCF-style: chr15-90811288-C-A. GRCh37 (hg19) VCF-style: chr15-91354518-C-A.
Other names: c.3958C>A, p.Pro1320Thr (NM_001287246.2); c.3565C>A, p.Pro1189Thr (NM_001287247.2); c.2833C>A, p.Pro945Thr (NM_001287248.2); short protein forms P1189T, P945T, P1320T.
Identifiers: ClinVar variation 660808 (VCV000660808.8), dbSNP rs1596273579, ClinGen allele CA393850881.
Genomic context (GRCh38, chr15:90,811,288, plus strand): 5'-AGCCTGTCCAGCAGCAGAGGCCCCGGAAGAAGTGCCGCTGAGGAGCTCGACGAGGAAATA[C>A]CCGTATCTTCCCACTACTTTGCAAGTAAAACCAGAAATGAAAGGAAGAGGAAAAAGATGC-3'
Protein context (NP_000048.1, residues 1310-1330): SAAEELDEEI[Pro1320Thr]VSSHYFASKT

ClinVar aggregate classification (germline): Conflicting classifications of pathogenicity. Review status: criteria provided, conflicting classifications (1 of 4 stars). 2 submissions from 2 submitters: Uncertain significance (1); Likely benign (1). Last evaluated 2025-01-30.

Conditions:
Hereditary cancer-predisposing syndrome. Also called: Neoplastic Syndromes, Hereditary; Tumor predisposition; Hereditary neoplastic syndrome; Hereditary Cancer Syndrome. Identifiers: Orphanet 140162, MedGen C0027672, MeSH D009386, MONDO:0015356.
Bloom syndrome (BLM). Also called: Bloom-Torre-Machacek syndrome. Identifiers: Orphanet 125, MedGen C0005859, MONDO:0008876, OMIM 210900.

Allele frequency attached by ClinVar (database versions not stated): gnomAD exomes below 0.00001.
gnomAD v4.1: 1 of 1,614,174 alleles (0.000062%); highest among the groups gnomAD compares: South Asian, 0.0011%; no homozygotes.

Submissions (2):

Labcorp Genetics (formerly Invitae), Labcorp
Classification: Uncertain significance for Bloom syndrome. Last evaluated: 2025-01-30. Review status: criteria provided, single submitter. Criteria: Invitae Variant Classification Sherloc (09022015). Collection method: clinical testing. Allele origin: germline.
Comment: This sequence change replaces proline, which is neutral and non-polar, with threonine, which is neutral and polar, at codon 1320 of the BLM protein (p.Pro1320Thr). This variant is not present in population databases (gnomAD no frequency). This variant has not been reported in the literature in individuals affected with BLM-related conditions. ClinVar contains an entry for this variant (Variation ID: 660808). Invitae Evidence Modeling of protein sequence and biophysical properties (such as structural, functional, and spatial information, amino acid conservation, physicochemical variation, residue mobility, and thermodynamic stability) indicates that this missense variant is not expected to disrupt BLM protein function with a negative predictive value of 80%. In summary, the available evidence is currently insufficient to determine the role of this variant in disease. Therefore, it has been classified as a Variant of Uncertain Significance.

Ambry Genetics
Classification: Likely benign for Hereditary cancer-predisposing syndrome. Last evaluated: 2024-03-14. Review status: criteria provided, single submitter. Criteria: Ambry Variant Classification Scheme 2023. Collection method: clinical testing. Allele origin: germline.